The following is an entry in ClinVar:

ClinVar aggregate classification (germline): Uncertain significance (1 of 4 stars; one submission).

Conditions:
Neuroblastoma, susceptibility to, 3. Also called: ALK-Related Neuroblastic Tumor Susceptibility. Identifiers: Orphanet 635, MedGen C2751681, MONDO:0013083, OMIM 613014.

Allele frequency attached by ClinVar (database versions not stated): gnomAD exomes below 0.00001.
gnomAD v4.1: 1 of 1,614,206 alleles (0.000062%); highest among the groups gnomAD compares: Non-Finnish European, 0.000085%; no homozygotes.

Submission:

Labcorp Genetics (formerly Invitae), Labcorp
Classification: Uncertain significance for Neuroblastoma, susceptibility to, 3. Last evaluated: 2023-12-24. Review status: criteria provided, single submitter. Criteria: Invitae Variant Classification Sherloc (09022015). Collection method: clinical testing. Allele origin: germline.
Comment: This sequence change replaces glycine, which is neutral and non-polar, with valine, which is neutral and non-polar, at codon 562 of the ALK protein (p.Gly562Val). This variant is not present in population databases (gnomAD no frequency). This variant has not been reported in the literature in individuals affected with ALK-related conditions. An algorithm developed to predict the effect of missense changes on protein structure and function (PolyPhen-2) suggests that this variant is likely to be disruptive. In summary, the available evidence is currently insufficient to determine the role of this variant in disease. Therefore, it has been classified as a Variant of Uncertain Significance.

NM_004304.5(ALK):c.1685G>T (p.Gly562Val)

Gene: ALK (ALK receptor tyrosine kinase; minus strand). Cytogenetic location: 2p23.2.
Variant type: single nucleotide variant.
Coding change: c.1685G>T on transcript NM_004304.5 (MANE Select); coding-DNA position 1685, G replaced by T.
Protein change: p.Gly562Val; replaces glycine 562 with valine.
Molecular consequence: missense variant.
Genome position (GRCh38, 1-based): chr2:29,297,020, C>A on the plus strand (G>T on the coding strand, the complement: ALK is on the minus strand). VCF-style: chr2-29297020-C-A. GRCh37 (hg19) VCF-style: chr2-29519886-C-A.
Other names: short protein forms G562V.
Identifiers: ClinVar variation 2705186 (VCV002705186.3), dbSNP rs2465372176, ClinGen allele CA346466545.